The following is an entry in ClinVar:

ClinVar aggregate classification (germline): Likely benign. Review status: criteria provided, multiple submitters, no conflicts (2 of 4 stars). 2 submissions from 2 submitters: Likely benign (2). Last evaluated 2024-07-01.

gnomAD v4.1: 39 of 1,612,468 alleles (0.0024%); highest among the groups gnomAD compares: South Asian, 0.03%; 1 homozygote.

Submissions (2):

CeGaT Center for Human Genetics Tuebingen
Classification: Likely benign. Last evaluated: 2024-07-01. Review status: criteria provided, single submitter. Criteria: CeGaT Center For Human Genetics Tuebingen Variant Classification Criteria Version 2. Collection method: clinical testing. Allele origin: germline. Affected: yes. Observed: 1 variant allele.
Comment: NSD1: BP4, BP7

Labcorp Genetics (formerly Invitae), Labcorp
Classification: Likely benign. Last evaluated: 2023-12-25. Review status: criteria provided, single submitter. Criteria: Invitae Variant Classification Sherloc (09022015). Collection method: clinical testing. Allele origin: germline.

NM_022455.5(NSD1):c.255G>A (p.Glu85=)

Gene: NSD1 (nuclear receptor binding SET domain protein 1; plus strand). Cytogenetic location: 5q35.3.
Variant type: single nucleotide variant.
Coding change: c.255G>A on transcript NM_022455.5 (MANE Select); coding-DNA position 255, G replaced by A.
Protein change: p.Glu85=; no amino-acid change (glutamic acid 85 retained).
Molecular consequence: synonymous variant. On other transcripts: intron variant (7).
Genome position (GRCh38, 1-based): chr5:177,135,358, G>A. VCF-style: chr5-177135358-G-A. GRCh37 (hg19) VCF-style: chr5-176562359-G-A.
Other names: c.255G>A, p.Glu85= (NM_001409301.1, NM_001409302.1, NM_001409303.1 and 1 more transcripts); c.-37+158G>A (NM_001409305.1, NM_001409306.1, NM_001409308.1 and 4 more transcripts).
Identifiers: ClinVar variation 3257695 (VCV003257695.19).